The following is an entry in ClinVar:

ClinVar aggregate classification (germline): Uncertain significance (1 of 4 stars; one submission).

Submission:

Ambry Genetics
Classification: Uncertain significance. Last evaluated: 2023-10-01. Review status: criteria provided, single submitter. Criteria: Ambry Variant Classification Scheme 2023. Collection method: clinical testing. Allele origin: germline.
Comment: The p.L17S variant (also known as c.50T>C), located in coding exon 1 of the EGLN2 gene, results from a T to C substitution at nucleotide position 50. The leucine at codon 17 is replaced by serine, an amino acid with dissimilar properties. This amino acid position is conserved. In addition, this alteration is predicted to be tolerated by in silico analysis. Since supporting evidence is limited at this time, the clinical significance of this alteration remains unclear.

NM_080732.4(EGLN2):c.50T>C (p.Leu17Ser)

Genes: EGLN2 (egl-9 family hypoxia inducible factor 2; plus strand), RAB4B-EGLN2 (RAB4B-EGLN2 readthrough (NMD candidate); plus strand). Cytogenetic location: 19q13.2.
Variant type: single nucleotide variant.
Coding change: c.50T>C on transcript NM_080732.4 (MANE Select); coding-DNA position 50, T replaced by C.
Protein change: p.Leu17Ser; replaces leucine 17 with serine.
Molecular consequence: missense variant. On other transcripts: non-coding transcript variant (1).
Genome position (GRCh38, 1-based): chr19:40,800,622, T>C. VCF-style: chr19-40800622-T-C. GRCh37 (hg19) VCF-style: chr19-41306527-T-C.
Other names: c.50T>C, p.Leu17Ser (NM_053046.4); short protein forms L17S.
Identifiers: ClinVar variation 3229006 (VCV003229006.1), dbSNP rs2515992538, ClinGen allele CA405954463.
Genomic context (GRCh38, chr19:40,800,622, plus strand): 5'-ACACTGCTGCCATGGACAGCCCGTGCCAGCCGCAGCCCCTAAGTCAGGCTCTCCCTCAGT[T>C]ACCAGGGTCTTCGTCAGAGCCCTTGGAGCCTGAGCCTGGCCGGGCCAGGATGGGAGTGGA-3'
Protein context (NP_542770.2, residues 7-27): PQPLSQALPQ[Leu17Ser]PGSSSEPLEP